The following is an entry in ClinVar:

NM_003000.3(SDHB):c.218T>C (p.Leu73Ser)

Gene: SDHB (succinate dehydrogenase complex iron sulfur subunit B; minus strand). Cytogenetic location: 1p36.13.
Variant type: single nucleotide variant.
Coding change: c.218T>C on transcript NM_003000.3 (MANE Select); coding-DNA position 218, T replaced by C.
Protein change: p.Leu73Ser; replaces leucine 73 with serine.
Molecular consequence: missense variant.
Genome position (GRCh38, 1-based): chr1:17,033,128, A>G on the plus strand (T>C on the coding strand, the complement: SDHB is on the minus strand). VCF-style: chr1-17033128-A-G. GRCh37 (hg19) VCF-style: chr1-17359623-A-G.
Other names: c.218T>C, p.Leu73Ser (NM_001407361.1); short protein forms L73S.
Identifiers: ClinVar variation 3438773 (VCV003438773.2).

ClinVar aggregate classification (germline): Uncertain significance (1 of 4 stars; one submission).

Conditions:
Hereditary cancer-predisposing syndrome. Also called: Neoplastic Syndromes, Hereditary; Tumor predisposition; Hereditary Cancer Syndrome; Hereditary neoplastic syndrome. Identifiers: Orphanet 140162, MedGen C0027672, MeSH D009386, MONDO:0015356.

Submission:

Ambry Genetics
Classification: Uncertain significance for Hereditary cancer-predisposing syndrome. Last evaluated: 2026-03-25. Review status: criteria provided, single submitter. Criteria: Ambry Variant Classification Scheme 2023. Collection method: clinical testing. Allele origin: germline.
Comment: The p.L73S variant (also known as c.218T>C), located in coding exon 3 of the SDHB gene, results from a T to C substitution at nucleotide position 218. The leucine at codon 73 is replaced by serine, an amino acid with dissimilar properties. This amino acid position is highly conserved in available vertebrate species. In addition, this alteration is predicted to be deleterious by in silico analysis. Based on the available evidence, the clinical significance of this variant remains unclear.